The following is an entry in ClinVar:

NM_018669.6(WDR4):c.821A>T (p.Asp274Val)

Gene: WDR4 (WDR4 tRNA N7-guanosine methyltransferase non-catalytic subunit; minus strand). Cytogenetic location: 21q22.3.
Variant type: single nucleotide variant.
Coding change: c.821A>T on transcript NM_018669.6 (MANE Select); coding-DNA position 821, A replaced by T.
Protein change: p.Asp274Val; replaces aspartic acid 274 with valine.
Molecular consequence: missense variant. On other transcripts: non-coding transcript variant (1).
Genome position (GRCh38, 1-based): chr21:42,853,723, T>A on the plus strand (A>T on the coding strand, the complement: WDR4 is on the minus strand). VCF-style: chr21-42853723-T-A. GRCh37 (hg19) VCF-style: chr21-44273833-T-A.
Other names: c.818A>T, p.Asp273Val (NM_001260474.2); c.383A>T, p.Asp128Val (NM_001260475.2, NM_001260476.2, NM_001260477.2 and 1 more transcripts); c.821A>T, p.Asp274Val (NM_033661.5); c.821A>T (NM_018669.4); short protein forms D128V, D273V, D274V.
Identifiers: ClinVar variation 2052448 (VCV002052448.4), dbSNP rs375741013, ClinGen allele CA10045912.
Genomic context (GRCh38, chr21:42,853,723, plus strand): 5'-TCCCACACTTGGTGCTGGAACGCCAGCTGCTGCCTGTACACCAACTGCTGTCTGCGGGCG[T>A]CCAGCTGGAAGATGTAGACCACAGGAGTGCTTGCCACGAAGAAAGAGAGCATGATTACTA-3'
Protein context (NP_061139.2, residues 264-284): GTPVVYIFQL[Asp274Val]ARRQQLVYRQ

ClinVar aggregate classification (germline): Uncertain significance. Review status: criteria provided, multiple submitters, no conflicts (2 of 4 stars). 2 submissions from 2 submitters: Uncertain significance (2). Last evaluated 2025-02-06.

Conditions:
Inborn genetic diseases. Identifiers: MedGen C0950123, MeSH D030342.

Allele frequency attached by ClinVar (database versions not stated): ExAC 0.00015; gnomAD 0.00022; ESP Exome Variant Server 0.00023; TOPMed 0.00025; gnomAD exomes 0.00044.
gnomAD v4.1: 630 of 1,563,098 alleles (0.04%); highest among the groups gnomAD compares: Non-Finnish European, 0.053%; no homozygotes.

Submissions (2):

Ambry Genetics
Classification: Uncertain significance for Inborn genetic diseases. Last evaluated: 2025-02-06. Review status: criteria provided, single submitter. Criteria: Ambry Variant Classification Scheme 2023. Collection method: clinical testing. Allele origin: germline.

Labcorp Genetics (formerly Invitae), Labcorp
Classification: Uncertain significance. Last evaluated: 2022-06-24. Review status: criteria provided, single submitter. Criteria: Invitae Variant Classification Sherloc (09022015). Collection method: clinical testing. Allele origin: germline.
Comment: This sequence change replaces aspartic acid, which is acidic and polar, with valine, which is neutral and non-polar, at codon 274 of the WDR4 protein (p.Asp274Val). This variant is present in population databases (rs375741013, gnomAD 0.04%). This variant has not been reported in the literature in individuals affected with WDR4-related conditions. Algorithms developed to predict the effect of missense changes on protein structure and function are either unavailable or do not agree on the potential impact of this missense change (SIFT: "Deleterious"; PolyPhen-2: "Benign"; Align-GVGD: "Class C0"). In summary, the available evidence is currently insufficient to determine the role of this variant in disease. Therefore, it has been classified as a Variant of Uncertain Significance.